The following is an entry in ClinVar:

NM_025114.4(CEP290):c.4194+5T>G

Gene: CEP290 (centrosomal protein 290; minus strand). Cytogenetic location: 12q21.32.
Variant type: single nucleotide variant.
Coding change: c.4194+5T>G on transcript NM_025114.4 (MANE Select); 5 bases into the intron after coding-DNA position 4194, T replaced by G.
Molecular consequence: intron variant.
Genome position (GRCh38, 1-based): chr12:88,087,775, A>C on the plus strand (T>G on the coding strand, the complement: CEP290 is on the minus strand). VCF-style: chr12-88087775-A-C. GRCh37 (hg19) VCF-style: chr12-88481552-A-C.
Other names: c.4194+5T>G (NM_025114.3).
Identifiers: ClinVar variation 2182629 (VCV002182629.4), dbSNP rs938376883, ClinGen allele CA241162875.

ClinVar aggregate classification (germline): Uncertain significance. Review status: criteria provided, multiple submitters, no conflicts (2 of 4 stars). 2 submissions from 2 submitters: Uncertain significance (2). Last evaluated 2026-02-27.

Conditions:
CEP290-related disorder. Also called: CEP290-related condition; CEP290-related disorders. Identifiers: MedGen CN239314.
Nephronophthisis. Also called: Juvenile Nephronophthisis. Identifiers: Orphanet 655, MedGen C0687120, MONDO:0019005, HP:0000090.
Meckel-Gruber syndrome. Also called: DYSENCEPHALIA SPLANCHNOCYSTICA; GRUBER SYNDROME; Dysencephalia splachnocystica. Identifiers: Orphanet 564, MedGen C0265215, MONDO:0018921.
Joubert syndrome. Also called: JOUBERT-BOLTSHAUSER SYNDROME; Familial aplasia of the vermis. Identifiers: Orphanet 475, MedGen C5979921, MONDO:0018772.

Allele frequency attached by ClinVar (database versions not stated): gnomAD exomes below 0.00001; gnomAD 0.00001; TOPMed 0.00002.
gnomAD v4.1: 3 of 1,210,480 alleles (0.00025%); highest among the groups gnomAD compares: African/African-American, 0.0048%; no homozygotes.

Submissions (2):

PreventionGenetics, part of Exact Sciences
Classification: Uncertain significance for CEP290-related condition. Last evaluated: 2026-02-27. Review status: criteria provided, single submitter. Criteria: ACMG Guidelines, 2015. Collection method: clinical testing. Allele origin: germline.
Comment: The CEP290 c.4194+5T>G variant is predicted to interfere with splicing. This variant is not predicted to interfere with splicing based on available splicing prediction programs (SpliceAI, Jaganathan et al. 2019. PubMed ID: 30661751); however, the +5 position is part of the minimal donor splice region which is clinically relevant (Lord et al. 2019. PubMed ID: 30587507; Walker et al. 2023. PubMed ID: 37352859). To our knowledge, this variant has not been reported in the literature or in a large population database (gnomAD), indicating this variant is rare. At this time, the clinical significance of this variant is uncertain due to the absence of conclusive functional and genetic evidence.

Labcorp Genetics (formerly Invitae), Labcorp
Classification: Uncertain significance for Joubert syndrome; Meckel-Gruber syndrome; Nephronophthisis. Last evaluated: 2024-02-16. Review status: criteria provided, single submitter. Criteria: Invitae Variant Classification Sherloc (09022015). Collection method: clinical testing. Allele origin: germline.
Comment: This sequence change falls in intron 32 of the CEP290 gene. It does not directly change the encoded amino acid sequence of the CEP290 protein. It affects a nucleotide within the consensus splice site. This variant is not present in population databases (gnomAD no frequency). This variant has not been reported in the literature in individuals affected with CEP290-related conditions. ClinVar contains an entry for this variant (Variation ID: 2182629). Variants that disrupt the consensus splice site are a relatively common cause of aberrant splicing (PMID: 17576681, 9536098). Algorithms developed to predict the effect of sequence changes on RNA splicing suggest that this variant is not likely to affect RNA splicing. In summary, the available evidence is currently insufficient to determine the role of this variant in disease. Therefore, it has been classified as a Variant of Uncertain Significance.

Literature cited by the submitters: PubMed 17576681 (cited by Labcorp Genetics (formerly Invitae), Labcorp); PubMed 9536098 (cited by Labcorp Genetics (formerly Invitae), Labcorp).